The following is an entry in ClinVar:

ClinVar aggregate classification (germline): Uncertain significance (1 of 4 stars; one submission).

Allele frequency attached by ClinVar (database versions not stated): TOPMed 0.00001; ExAC 0.00002; gnomAD 0.00002; ESP Exome Variant Server 0.00009.
gnomAD v4.1: 15 of 1,602,482 alleles (0.00094%); highest among the groups gnomAD compares: Non-Finnish European, 0.0012%; no homozygotes.

Submission:

Labcorp Genetics (formerly Invitae), Labcorp
Classification: Uncertain significance. Last evaluated: 2023-12-11. Review status: criteria provided, single submitter. Criteria: Invitae Variant Classification Sherloc (09022015). Collection method: clinical testing. Allele origin: germline.
Comment: This sequence change replaces methionine, which is neutral and non-polar, with valine, which is neutral and non-polar, at codon 345 of the IFT74 protein (p.Met345Val). This variant is present in population databases (rs370456819, gnomAD 0.004%). This variant has not been reported in the literature in individuals affected with IFT74-related conditions. ClinVar contains an entry for this variant (Variation ID: 1930538). An algorithm developed to predict the effect of missense changes on protein structure and function (PolyPhen-2) suggests that this variant¬†is likely to be tolerated. In summary, the available evidence is currently insufficient to determine the role of this variant in disease. Therefore, it has been classified as a Variant of Uncertain Significance.

NM_025103.4(IFT74):c.1033A>G (p.Met345Val)

Gene: IFT74 (intraflagellar transport 74; plus strand). Cytogenetic location: 9p21.2.
Variant type: single nucleotide variant.
Coding change: c.1033A>G on transcript NM_025103.4 (MANE Select); coding-DNA position 1033, A replaced by G.
Protein change: p.Met345Val; replaces methionine 345 with valine.
Molecular consequence: missense variant.
Genome position (GRCh38, 1-based): chr9:27,029,083, A>G. VCF-style: chr9-27029083-A-G. GRCh37 (hg19) VCF-style: chr9-27029081-A-G.
Other names: c.1033A>G, p.Met345Val (NM_001099222.3, NM_001099223.3, NM_001099224.3 and 1 more transcripts); short protein forms M345V.
Identifiers: ClinVar variation 1930538 (VCV001930538.3), dbSNP rs370456819, ClinGen allele CA5015484.
Genomic context (GRCh38, chr9:27,029,083, plus strand): 5'-AGGTTAACAGATACAAAAGAAAAGATAAATCAGTTTATTGAAGAAATTAGACAACTTGAC[A>G]TGGATTTAGAGGAACACCAAGGTATGCTTCTGGTATTTTTATAATGTAGATTAACAGATG-3'
Protein context (NP_079379.2, residues 335-355): QFIEEIRQLD[Met345Val]DLEEHQGEMN